The following is an entry in ClinVar:

ClinVar aggregate classification (germline): Uncertain significance (1 of 4 stars; one submission).

Conditions:
Charcot-Marie-Tooth disease X-linked dominant 6. Also called: CHARCOT-MARIE-TOOTH NEUROPATHY, X-LINKED DOMINANT, 6. Identifiers: Orphanet 352675, MedGen C3806702, MONDO:0010479, OMIM 300905.

Submission:

Labcorp Genetics (formerly Invitae), Labcorp
Classification: Uncertain significance for Charcot-Marie-Tooth disease X-linked dominant 6. Last evaluated: 2021-02-14. Review status: criteria provided, single submitter. Criteria: Invitae Variant Classification Sherloc (09022015). Collection method: clinical testing. Allele origin: germline.
Comment: This variant has not been reported in the literature in individuals with PDK3-related conditions. In summary, the available evidence is currently insufficient to determine the role of this variant in disease. Therefore, it has been classified as a Variant of Uncertain Significance. This variant is a gross deletion of the genomic region encompassing exon(s) 2-6 of the PDK3 gene. This variant would be expected to be in-frame, preserving the integrity of the reading frame.

NC_000023.10:g.(?_24512849)_(24537137_?)dup

Gene: PDK3 (pyruvate dehydrogenase kinase 3; plus strand). Cytogenetic location: Xp22.11.
Variant type: Duplication.
Identifiers: ClinVar variation 1399657 (VCV001399657.6).